The following is an entry in ClinVar:

NM_000038.6(APC):c.471G>A (p.Trp157Ter)

Gene: APC (APC regulator of Wnt signaling pathway; plus strand). Cytogenetic location: 5q22.2.
Variant type: single nucleotide variant.
Coding change: c.471G>A on transcript NM_000038.6 (MANE Select); coding-DNA position 471, G replaced by A.
Protein change: p.Trp157Ter; replaces tryptophan 157 with a stop codon.
Molecular consequence: nonsense. On other transcripts: 5 prime UTR variant (1).
Genome position (GRCh38, 1-based): chr5:112,775,677, G>A. VCF-style: chr5-112775677-G-A. GRCh37 (hg19) VCF-style: chr5-112111374-G-A.
Other names: NM_000038.6(APC):c.471G>A; p.Trp157Ter; c.471G>A, p.Trp157Ter (NM_001127510.3, NM_001354895.2, NM_001354896.2 and 2 more transcripts); c.501G>A, p.Trp167Ter (NM_001127511.3, NM_001354897.2, NM_001354902.2); c.396G>A, p.Trp132Ter (NM_001354898.2, NM_001354904.2); c.294G>A, p.Trp98Ter (NM_001354900.2, NM_001354901.2, NM_001354905.2); c.-565G>A (NM_001354906.2); short protein forms W157*, W167*, W98*, W132*.
Identifiers: ClinVar variation 411479 (VCV000411479.24), dbSNP rs1060503328, ClinGen allele CA16022351.

ClinVar aggregate classification (germline): Pathogenic. Review status: reviewed by expert panel (3 of 4 stars). 9 submissions from 9 submitters: Pathogenic (1). 8 of the submissions do not count toward it. Last evaluated 2025-05-19.

Conditions:
Hereditary cancer-predisposing syndrome. Also called: Neoplastic Syndromes, Hereditary; Hereditary neoplastic syndrome; Tumor predisposition; Hereditary Cancer Syndrome. Identifiers: Orphanet 140162, MedGen C0027672, MeSH D009386, MONDO:0015356.
Inherited polyposis and early onset colorectal cancer - germline testing.
Familial adenomatous polyposis 1 (FAP1). Also called: POLYPOSIS, ADENOMATOUS INTESTINAL; FAMILIAL ADENOMATOUS POLYPOSIS 1, ATTENUATED. Identifiers: MedGen C2713442, MONDO:0021056, OMIM 175100. Disease mechanism: loss of function.

Allele frequency attached by ClinVar (database versions not stated): gnomAD exomes below 0.00001.
gnomAD v4.1: 2 of 1,608,060 alleles (0.00012%); highest among the groups gnomAD compares: Non-Finnish European, 0.000085%; no homozygotes.

Submissions (9):

ClinGen InSiGHT Hereditary Colorectal Cancer/Polyposis Variant Curation Expert Panel
Classification: Pathogenic for Familial adenomatous polyposis 1. Last evaluated: 2025-05-19. Review status: reviewed by expert panel. Criteria: ClinGen InSiGHT HCCP VCEP ACMG Specifications APC V1. Collection method: curation. Allele origin: germline. Inheritance: Autosomal dominant inheritance.
Comment: The NM_000038.6(APC):c.471G>A (p.Trp157Ter) variant in APC is a nonsense variant located between codon 49 and 2645 and predicted to cause a premature stop codon in exon 5 in a gene in which loss-of-function is an established disease mechanism (PVS1). The total minor allele frequency in gnomAD v2.1.1 (non-cancer) is 0.000004 (1/233100 alleles), which is lower than the ClinGen InSiGHT Hereditary Colorectal Cancer/Polyposis VCEP (HCCP VCEP) threshold of < 0.001% (0.00001) for PM2_Supporting if the allele count is ≤ 1 and therefore meets this criterion (PM2_Supporting). This variant has been reported in 1 proband meeting phenotypic criteria, resulting in a total phenotype score of 1.0 (PS4_Supporting, PMID: 20399906). Moreover, the variant has been reported in at least 4 additional probands with a colorectal cancer/polyposis associated phenotype not meeting phenotypic criteria (PMID: 22941256, 8381580, 20685668; ClinVar ID: VCV000411479.17). In summary, this variant meets the criteria to be classified as Pathogenic for autosomal-dominant inherited FAP based on the ACMG/AMP criteria applied, as specified by the HCCP VCEP: criteria PVS1, PS4_Supporting and PM2_Supporting applied (VCEP specifications version 2.0.3; date of approval: 7/24/2023).

Genomics and Molecular Medicine Service, East Genomic Laboratory Hub, NHS Genomic Medicine Service
Classification: Pathogenic for Inherited polyposis and early onset colorectal cancer - germline testing. Last evaluated: 2026-04-21. Review status: criteria provided, single submitter. Criteria: ACGS Best Practice Guidelines for Variant Classification in Rare Disease 2020. Collection method: clinical testing. Allele origin: germline. Affected: yes. Not counted in ClinVar's aggregate classification.
Comment: PVS1,PS4_Supporting,PM2_Supporting

Labcorp Genetics (formerly Invitae), Labcorp
Classification: Pathogenic for Familial adenomatous polyposis 1. Last evaluated: 2025-05-27. Review status: criteria provided, single submitter. Criteria: Invitae Variant Classification Sherloc (09022015). Collection method: clinical testing. Allele origin: germline. Not counted in ClinVar's aggregate classification.
Comment: This sequence change creates a premature translational stop signal (p.Trp157*) in the APC gene. It is expected to result in an absent or disrupted protein product. Loss-of-function variants in APC are known to be pathogenic (PMID: 17963004, 20685668). This variant is present in population databases (no rsID available, gnomAD 0.0009%). This premature translational stop signal has been observed in individual(s) with familial adenomatous polyposis (PMID: 8381580, 20685668). ClinVar contains an entry for this variant (Variation ID: 411479). For these reasons, this variant has been classified as Pathogenic.

Myriad Genetics, Inc.
Classification: Pathogenic for Familial adenomatous polyposis 1. Last evaluated: 2023-04-26. Review status: criteria provided, single submitter. Criteria: Myriad Autosomal Dominant, Autosomal Recessive and X-Linked Classification Criteria (2023). Collection method: clinical testing. Allele origin: unknown. Not counted in ClinVar's aggregate classification.
Comment: This variant is considered pathogenic. This variant creates a termination codon and is predicted to result in premature protein truncation.

GeneDx
Classification: Pathogenic. Last evaluated: 2023-01-30. Review status: criteria provided, single submitter. Criteria: GeneDx Variant Classification Process June 2021. Collection method: clinical testing. Allele origin: germline. Affected: yes. Not counted in ClinVar's aggregate classification.
Comment: Nonsense variant predicted to result in protein truncation or nonsense mediated decay in a gene for which loss of function is a known mechanism of disease; Not observed at significant frequency in large population cohorts (gnomAD); This variant is associated with the following publications: (PMID: 25525159, 27683109, 30720243, Aoki2022[preprint], 20685668)

Ambry Genetics
Classification: Pathogenic for Hereditary cancer-predisposing syndrome. Last evaluated: 2017-07-26. Review status: criteria provided, single submitter. Criteria: Ambry Variant Classification Scheme 2023. Collection method: clinical testing. Allele origin: germline. Not counted in ClinVar's aggregate classification.
Comment: The p.W157* pathogenic mutation (also known as c.471G>A), located in coding exon 4 of the APC gene, results from a G to A substitution at nucleotide position 471. This changes the amino acid from a tryptophan to a stop codon within coding exon 4. This pathogenic mutation has been identified in two unrelated French patients with FAP (Lagarde A et al. J. Med. Genet. 2010 Oct;47:721-2; Olschwang S et al. Am. J. Hum. Genet. 1993 Feb;52:273-9). In addition to the clinical data presented in the literature, this alteration is expected to result in loss of function by premature protein truncation or nonsense-mediated mRNA decay. As such, this alteration is interpreted as a disease-causing mutation.

Diagnostic Laboratory, Department of Genetics, University Medical Center Groningen
Classification: Pathogenic. Review status: no assertion criteria provided. Collection method: clinical testing. Allele origin: germline. Affected: yes. Study: VKGL Data-share Consensus. Not counted in ClinVar's aggregate classification.

Joint Genome Diagnostic Labs from Nijmegen and Maastricht, Radboudumc and MUMC+
Classification: Pathogenic. Review status: no assertion criteria provided. Collection method: clinical testing. Allele origin: germline. Affected: yes. Study: VKGL Data-share Consensus. Not counted in ClinVar's aggregate classification.

Mayo Clinic Laboratories, Mayo Clinic
Classification: Pathogenic. Review status: no assertion criteria provided. Collection method: clinical testing. Allele origin: unknown. Not counted in ClinVar's aggregate classification.

Literature cited by the submitters: PubMed 17963004 (cited by Labcorp Genetics (formerly Invitae), Labcorp); PubMed 20685668 (cited by Labcorp Genetics (formerly Invitae), Labcorp and Ambry Genetics); PubMed 8381580 (cited by Labcorp Genetics (formerly Invitae), Labcorp and Ambry Genetics); PubMed 22941256 (cited by Ambry Genetics).